The following is an entry in ClinVar:

ClinVar aggregate classification (germline): Likely pathogenic (1 of 4 stars; one submission).

Conditions:
Autosomal recessive polycystic kidney disease (ARPKD). Also called: AR polycystic kidney disease. Identifiers: Orphanet 731, Orphanet 8378, MedGen C0085548, MeSH D017044, MONDO:0009889.

gnomAD v4.1: 1 of 1,369,590 alleles (0.000073%); highest among the groups gnomAD compares: Non-Finnish European, 0.0001%; no homozygotes.

Submission:

Natera, Inc.
Classification: Likely pathogenic for Autosomal recessive polycystic kidney disease. Last evaluated: 2024-05-22. Review status: criteria provided, single submitter. Criteria: Natera Variant Classification Schema (03/2026). Collection method: clinical testing. Allele origin: germline.
Comment: The c.8441-1G>C variant in PKHD1 is a canonical splice acceptor site variant predicted to affect pre-mRNA splicing, which may result in an abnormal transcript and altered protein product. This variant is expected to result in nonsense mediated decay, truncation, or a dysfunctional protein product. This variant is rare in the general population with a frequency below the threshold expected for the associated phenotype(s). Given the available evidence, this variant is classified as Likely Pathogenic.

NM_138694.4(PKHD1):c.8441-1G>C

Gene: PKHD1 (PKHD1 ciliary IPT domain containing fibrocystin/polyductin; minus strand). Cytogenetic location: 6p12.3.
Variant type: single nucleotide variant.
Coding change: c.8441-1G>C on transcript NM_138694.4 (MANE Select); the canonical splice acceptor site of the intron before coding-DNA position 8441, G replaced by C.
Molecular consequence: splice acceptor variant.
Genome position (GRCh38, 1-based): chr6:51,775,922, C>G on the plus strand (G>C on the coding strand, the complement: PKHD1 is on the minus strand). VCF-style: chr6-51775922-C-G. GRCh37 (hg19) VCF-style: chr6-51640720-C-G.
Other names: c.8441-1G>C (NM_170724.3).
Identifiers: ClinVar variation 4816771 (VCV004816771.1).
Genomic context (GRCh38, chr6:51,775,922, plus strand): 5'-CTGAGGCTCTAAGGAGAATCAGAAGCTTTTGTTCCTTTTCTAAGGGATTTTCTAAAGTAC[C>G]TGTTTACAAAGAAAAGTATATCATTCAAATCAATTTGAAATTAAAAGAAAGAGAGGGAGA-3'